The following is an entry in ClinVar:

NM_014989.7(RIMS1):c.706A>G (p.Ser236Gly)

Gene: RIMS1 (regulating synaptic membrane exocytosis 1; plus strand). Cytogenetic location: 6q13.
Variant type: single nucleotide variant.
Coding change: c.706A>G on transcript NM_014989.7 (MANE Select); coding-DNA position 706, A replaced by G.
Protein change: p.Ser236Gly; replaces serine 236 with glycine.
Molecular consequence: missense variant.
Genome position (GRCh38, 1-based): chr6:72,179,809, A>G. VCF-style: chr6-72179809-A-G. GRCh37 (hg19) VCF-style: chr6-72889512-A-G.
Other names: c.706A>G (NM_014989.4); short protein forms S236G.
Identifiers: ClinVar variation 1462768 (VCV001462768.7), dbSNP rs771519899, ClinGen allele CA3885569.

ClinVar aggregate classification (germline): Conflicting classifications of pathogenicity. Review status: criteria provided, conflicting classifications (1 of 4 stars). 2 submissions from 2 submitters: Uncertain significance (1); Likely benign (1). Last evaluated 2025-02-14.

Allele frequency attached by ClinVar (database versions not stated): TOPMed below 0.00001; gnomAD exomes 0.00001 and 0.00002; ExAC 0.00003.
gnomAD v4.1: 17 of 1,613,776 alleles (0.0011%); highest among the groups gnomAD compares: Middle Eastern, 0.033%; no homozygotes.

Submissions (2):

Labcorp Genetics (formerly Invitae), Labcorp
Classification: Uncertain significance. Last evaluated: 2025-02-14. Review status: criteria provided, single submitter. Criteria: Invitae Variant Classification Sherloc (09022015). Collection method: clinical testing. Allele origin: germline.
Comment: This sequence change replaces serine, which is neutral and polar, with glycine, which is neutral and non-polar, at codon 236 of the RIMS1 protein (p.Ser236Gly). This variant is present in population databases (rs771519899, gnomAD 0.009%). This variant has not been reported in the literature in individuals affected with RIMS1-related conditions. ClinVar contains an entry for this variant (Variation ID: 1462768). An algorithm developed to predict the effect of missense changes on protein structure and function outputs the following: PolyPhen-2: "Benign". The glycine amino acid residue is found in multiple mammalian species, which suggests that this missense change does not adversely affect protein function. In summary, the available evidence is currently insufficient to determine the role of this variant in disease. Therefore, it has been classified as a Variant of Uncertain Significance.

Ambry Genetics
Classification: Likely benign. Last evaluated: 2024-04-24. Review status: criteria provided, single submitter. Criteria: Ambry Variant Classification Scheme 2023. Collection method: clinical testing. Allele origin: germline.